The following is an entry in ClinVar:

ClinVar aggregate classification (germline): Uncertain significance (1 of 4 stars; one submission).

Conditions:
Cardiovascular phenotype. Identifiers: MedGen CN230736.

Submission:

Ambry Genetics
Classification: Uncertain significance for Cardiovascular phenotype. Last evaluated: 2025-07-03. Review status: criteria provided, single submitter. Criteria: Ambry Variant Classification Scheme 2023. Collection method: clinical testing. Allele origin: germline.
Comment: The p.V260A variant (also known as c.779T>C), located in coding exon 8 of the ANKRD1 gene, results from a T to C substitution at nucleotide position 779. The valine at codon 260 is replaced by alanine, an amino acid with similar properties. This amino acid position is conserved. In addition, the in silico prediction for this alteration is inconclusive. Based on the available evidence, the clinical significance of this variant remains unclear.

NM_014391.3(ANKRD1):c.779T>C (p.Val260Ala)

Gene: ANKRD1 (ankyrin repeat domain 1; minus strand). Cytogenetic location: 10q23.31.
Variant type: single nucleotide variant.
Coding change: c.779T>C on transcript NM_014391.3 (MANE Select); coding-DNA position 779, T replaced by C.
Protein change: p.Val260Ala; replaces valine 260 with alanine.
Molecular consequence: missense variant.
Genome position (GRCh38, 1-based): chr10:90,915,613, A>G on the plus strand (T>C on the coding strand, the complement: ANKRD1 is on the minus strand). VCF-style: chr10-90915613-A-G. GRCh37 (hg19) VCF-style: chr10-92675370-A-G.
Other names: short protein forms V260A.
Identifiers: ClinVar variation 4100058 (VCV004100058.1).